The following is an entry in ClinVar:

NM_000078.3(CETP):c.391G>A (p.Asp131Asn)

Gene: CETP (cholesteryl ester transfer protein; plus strand). Cytogenetic location: 16q13.
Variant type: single nucleotide variant.
Coding change: c.391G>A on transcript NM_000078.3 (MANE Select); coding-DNA position 391, G replaced by A.
Protein change: p.Asp131Asn; replaces aspartic acid 131 with asparagine.
Molecular consequence: missense variant.
Genome position (GRCh38, 1-based): chr16:56,969,633, G>A. VCF-style: chr16-56969633-G-A. GRCh37 (hg19) VCF-style: chr16-57003545-G-A.
Other names: c.391G>A, p.Asp131Asn (NM_001286085.2); short protein forms D131N.
Identifiers: ClinVar variation 2724254 (VCV002724254.3), dbSNP rs775508511, ClinGen allele CA8070899.

ClinVar aggregate classification (germline): Uncertain significance (1 of 4 stars; one submission).

Allele frequency attached by ClinVar (database versions not stated): TOPMed 0.00003; gnomAD 0.00002; gnomAD exomes 0.00006.
gnomAD v4.1: 84 of 1,614,040 alleles (0.0052%); highest among the groups gnomAD compares: Non-Finnish European, 0.0069%; no homozygotes.

Submission:

Labcorp Genetics (formerly Invitae), Labcorp
Classification: Uncertain significance. Last evaluated: 2025-02-23. Review status: criteria provided, single submitter. Criteria: Invitae Variant Classification Sherloc (09022015). Collection method: clinical testing. Allele origin: germline.
Comment: This sequence change replaces aspartic acid, which is acidic and polar, with asparagine, which is neutral and polar, at codon 131 of the CETP protein (p.Asp131Asn). This variant is present in population databases (rs775508511, gnomAD 0.007%). This missense change has been observed in individual(s) with elevated HDL cholesterol (PMID: 24680225). ClinVar contains an entry for this variant (Variation ID: 2724254). Invitae Evidence Modeling of protein sequence and biophysical properties (such as structural, functional, and spatial information, amino acid conservation, physicochemical variation, residue mobility, and thermodynamic stability) indicates that this missense variant is expected to disrupt CETP protein function with a positive predictive value of 80%. In summary, the available evidence is currently insufficient to determine the role of this variant in disease. Therefore, it has been classified as a Variant of Uncertain Significance.

Literature cited by the submitters: PubMed 24680225.